The following is an entry in ClinVar:

NM_080680.3(COL11A2):c.2336C>T (p.Pro779Leu)

Gene: COL11A2 (collagen type XI alpha 2 chain; minus strand). Cytogenetic location: 6p21.32.
Variant type: single nucleotide variant.
Coding change: c.2336C>T on transcript NM_080680.3 (MANE Select); coding-DNA position 2336, C replaced by T.
Protein change: p.Pro779Leu; replaces proline 779 with leucine.
Molecular consequence: missense variant.
Genome position (GRCh38, 1-based): chr6:33,175,614, G>A on the plus strand (C>T on the coding strand, the complement: COL11A2 is on the minus strand). VCF-style: chr6-33175614-G-A. GRCh37 (hg19) VCF-style: chr6-33143391-G-A.
Other names: c.2015C>T, p.Pro672Leu (NM_080679.3); c.2078C>T, p.Pro693Leu (NM_080681.3); short protein forms P779L, P672L, P693L.
Identifiers: ClinVar variation 196635 (VCV000196635.67), dbSNP rs150877886, ClinGen allele CA202490.

ClinVar aggregate classification (germline): Benign/Likely benign. Review status: criteria provided, multiple submitters, no conflicts (2 of 4 stars). 14 submissions from 13 submitters: Benign (5); Likely benign (9). Last evaluated 2026-08-01.

Conditions:
Fibrochondrogenesis 2 (FBCG2). Identifiers: Orphanet 2021, MedGen C3281128, MONDO:0013795, OMIM 614524.
Otospondylomegaepiphyseal dysplasia, autosomal recessive (OSMEDB). Also called: CHONDRODYSTROPHY WITH SENSORINEURAL DEAFNESS; Insley-Astley syndrome. Identifiers: Orphanet 1427, MedGen CN034493, MONDO:0044206, OMIM 215150.

Allele frequency attached by ClinVar (database versions not stated): ESP Exome Variant Server 0.00142; gnomAD 0.00153 and 0.00170; 1000 Genomes Project 30x 0.00172; 1000 Genomes Project 0.00220; TOPMed 0.00220; gnomAD exomes 0.00259; ExAC 0.00309.
gnomAD v4.1: 3,290 of 1,612,892 alleles (0.2%); highest among the groups gnomAD compares: Middle Eastern, 1.1%; 23 homozygotes.

Submissions (14):

CeGaT Center for Human Genetics Tuebingen
Classification: Benign. Last evaluated: 2026-08-01. Review status: criteria provided, single submitter. Criteria: CeGaT Center For Human Genetics Tuebingen Variant Classification Criteria Version 2. Collection method: clinical testing. Allele origin: germline. Affected: yes. Observed: 21 variant alleles.
Comment: COL11A2: BS1, BS2

Women's Health and Genetics/Laboratory Corporation of America, LabCorp
Classification: Likely benign. Last evaluated: 2026-05-21. Review status: criteria provided, single submitter. Criteria: LabCorp Variant Classification Summary - May 2015. Collection method: clinical testing. Allele origin: germline.
Comment: Variant summary: COL11A2 c.2336C>T (p.Pro779Leu) results in a non-conservative amino acid change in the encoded protein sequence. Algorithms developed to predict the effect of missense changes on protein structure and function are either unavailable or do not agree on the potential impact of this missense change. The variant allele was found at a frequency of 0.0026 in 246358 control chromosomes in the gnomAD database, including 6 homozygotes. The observed variant frequency exceeds the estimated maximal expected allele frequency for disease-causing variants in COL11A2. c.2336C>T has been observed in individual(s) affected with COL11A2-related conditions without strong evidence for causality (Choi_2013, Ma_2023). These report(s) do not provide unequivocal conclusions about association of the variant with disease. To our knowledge, no experimental evidence demonstrating an impact on protein function has been reported. The following publications have been ascertained in the context of this evaluation (PMID: 23990876, 36597107). ClinVar contains an entry for this variant (Variation ID: 196635). Based on the evidence outlined above, the variant was classified as likely benign.

Labcorp Genetics (formerly Invitae), Labcorp
Classification: Benign. Last evaluated: 2026-02-01. Review status: criteria provided, single submitter. Criteria: Invitae Variant Classification Sherloc (09022015). Collection method: clinical testing. Allele origin: germline.

Blueprint Genetics
Classification: Likely benign. Last evaluated: 2024-11-22. Review status: criteria provided, single submitter. Criteria: ACMG Guidelines, 2015. Collection method: clinical testing. Allele origin: germline.

Mayo Clinic Laboratories, Mayo Clinic
Classification: Benign. Last evaluated: 2021-08-11. Review status: criteria provided, single submitter. Criteria: ACMG Guidelines, 2015. Collection method: clinical testing. Allele origin: germline. Observed: 3 variant alleles.

Mendelics
Classification: Likely benign for Otospondylomegaepiphyseal dysplasia, autosomal recessive. Last evaluated: 2019-05-28. Review status: criteria provided, single submitter. Criteria: Mendelics Assertion Criteria 2017. Collection method: clinical testing. Allele origin: unknown.

Illumina Laboratory Services, Illumina
Classification: Likely benign for Fibrochondrogenesis 2. Last evaluated: 2018-01-12. Review status: criteria provided, single submitter. Criteria: ICSL Variant Classification Criteria 13 December 2019. Collection method: clinical testing. Allele origin: germline.
Comment: This variant was observed in the ICSL laboratory as part of a predisposition screen in an ostensibly healthy population. It had not been previously curated by ICSL or reported in the Human Gene Mutation Database (HGMD: prior to June 1st, 2018), and was therefore a candidate for classification through an automated scoring system. Utilizing variant allele frequency, disease prevalence and penetrance estimates, and inheritance mode, an automated score was calculated to assess if this variant is too frequent to cause the disease. Based on the score and internal cut-off values, a variant classified as likely benign is not then subjected to further curation. The score for this variant resulted in a classification of likely benign for this disease.

Illumina Laboratory Services, Illumina
Classification: Likely benign for Otospondylomegaepiphyseal dysplasia, autosomal recessive. Last evaluated: 2018-01-12. Review status: criteria provided, single submitter. Criteria: ICSL Variant Classification Criteria 13 December 2019. Collection method: clinical testing. Allele origin: germline.
Comment: the same text as in the submission from Illumina Laboratory Services, Illumina above.

GeneDx
Classification: Benign. Last evaluated: 2017-03-03. Review status: criteria provided, single submitter. Criteria: GeneDx Variant Classification (06012015). Collection method: clinical testing. Allele origin: germline. Affected: yes.
Comment: This variant is considered likely benign or benign based on one or more of the following criteria: it is a conservative change, it occurs at a poorly conserved position in the protein, it is predicted to be benign by multiple in silico algorithms, and/or has population frequency not consistent with disease.

Center for Pediatric Genomic Medicine, Children's Mercy Hospital and Clinics
Classification: Likely benign. Last evaluated: 2016-11-15. Review status: criteria provided, single submitter. Criteria: ACMG Guidelines, 2015. Collection method: clinical testing. Allele origin: germline.
ClinVar note: Converted during submission from Likely Benign to Likely benign.

Laboratory for Molecular Medicine, Mass General Brigham Personalized Medicine
Classification: Benign. Last evaluated: 2015-07-20. Review status: criteria provided, single submitter. Criteria: LMM Criteria. Collection method: clinical testing. Allele origin: germline. Observed: 5 variant alleles.
Comment: p.Pro779Leu in exon 30 of COL11A2: This variant is not expected to have clinical significance because it has been identified in 0.76% (87/11452) Latino chromoso mes, in 0.69% (112/16264) South Asian chromosomes, and in 0.23% (143/63200) Eur opean Chromosomes by the Exome Aggregation Consortium Sequencing Project (ExAC; dbSNP rs150877886).

Eurofins Ntd Llc (ga)
Classification: Likely benign. Last evaluated: 2015-05-05. Review status: criteria provided, single submitter. Criteria: EGL Classification Definitions 2015. Collection method: clinical testing. Allele origin: germline. Observed: 3 variant alleles, 3 heterozygotes.

Breakthrough Genomics
Classification: Likely benign. Review status: criteria provided, single submitter. Criteria: ACMG Guidelines, 2015. Collection method: not provided. Allele origin: germline. Inheritance: Autosomal recessive inheritance. Affected: yes.

PreventionGenetics, part of Exact Sciences
Classification: Likely benign. Review status: criteria provided, single submitter. Criteria: ACMG Guidelines, 2015. Collection method: clinical testing. Allele origin: germline.

Literature cited by the submitters: PubMed 36597107 (cited by Women's Health and Genetics/Laboratory Corporation of America, LabCorp); PubMed 23990876 (cited by Women's Health and Genetics/Laboratory Corporation of America, LabCorp).